The following is an entry in ClinVar:

ClinVar aggregate classification (germline): Uncertain significance (1 of 4 stars; one submission).

Conditions:
Autosomal recessive distal spinal muscular atrophy 2. Also called: NEUROPATHY, DISTAL HEREDITARY MOTOR, AUTOSOMAL RECESSIVE 2; NEURONOPATHY, DISTAL HEREDITARY MOTOR, JERASH TYPE; NEUROPATHY, DISTAL HEREDITARY MOTOR, JERASH TYPE; SPINAL MUSCULAR ATROPHY, JERASH TYPE; Hereditary motor neuropathy, Jerash type; Motor neuropathy, distal, Jerash type. Identifiers: Orphanet 139552, MedGen C1854023, MONDO:0011585, OMIM 605726.
Amyotrophic lateral sclerosis type 16. Also called: AMYOTROPHIC LATERAL SCLEROSIS 16, JUVENILE. Identifiers: Orphanet 300605, MedGen C3280587, MONDO:0013715, OMIM 614373.

Allele frequency attached by ClinVar (database versions not stated): gnomAD exomes below 0.00001.
gnomAD v4.1: 1 of 1,614,156 alleles (0.000062%); highest among the groups gnomAD compares: Non-Finnish European, 0.000085%; no homozygotes.

Submission:

Labcorp Genetics (formerly Invitae), Labcorp
Classification: Uncertain significance for Autosomal recessive distal spinal muscular atrophy 2; Amyotrophic lateral sclerosis type 16. Last evaluated: 2025-11-24. Review status: criteria provided, single submitter. Criteria: Invitae Variant Classification Sherloc (09022015). Collection method: clinical testing. Allele origin: germline.
Comment: This sequence change replaces glycine, which is neutral and non-polar, with alanine, which is neutral and non-polar, at codon 157 of the SIGMAR1 protein (p.Gly157Ala). This variant is not present in population databases (gnomAD no frequency). This variant has not been reported in the literature in individuals affected with SIGMAR1-related conditions. ClinVar contains an entry for this variant (Variation ID: 1400335). An algorithm developed to predict the effect of missense changes on protein structure and function (PolyPhen-2) suggests that this variant is likely to be disruptive. In summary, the available evidence is currently insufficient to determine the role of this variant in disease. Therefore, it has been classified as a Variant of Uncertain Significance.

NM_005866.4(SIGMAR1):c.470G>C (p.Gly157Ala)

Gene: SIGMAR1 (sigma receptor chaperone 1; minus strand). Cytogenetic location: 9p13.3.
Variant type: single nucleotide variant.
Coding change: c.470G>C on transcript NM_005866.4 (MANE Select); coding-DNA position 470, G replaced by C.
Protein change: p.Gly157Ala; replaces glycine 157 with alanine.
Molecular consequence: missense variant. On other transcripts: 3 prime UTR variant (1), non-coding transcript variant (1), intron variant (1).
Genome position (GRCh38, 1-based): chr9:34,635,834, C>G on the plus strand (G>C on the coding strand, the complement: SIGMAR1 is on the minus strand). VCF-style: chr9-34635834-C-G. GRCh37 (hg19) VCF-style: chr9-34635831-C-G.
Other names: c.170G>C, p.Gly57Ala (NM_001282206.2); c.410G>C, p.Gly137Ala (NM_001282207.2); c.*13G>C (NM_001282208.2); c.330G>C, p.Trp110Cys (NM_001282209.2); c.377G>C, p.Gly126Ala (NM_147157.3); c.446-194G>C (NM_001282205.2); short protein forms G137A, G57A, G126A, G157A, W110C.
Identifiers: ClinVar variation 1400335 (VCV001400335.6), dbSNP rs2132324643, ClinGen allele CA373272851.